The following is an entry in ClinVar:

NM_177972.3(TUB):c.358G>A (p.Gly120Ser)

Genes: RIC3 (RIC3 acetylcholine receptor chaperone; minus strand), TUB (TUB bipartite transcription factor; plus strand). Cytogenetic location: 11p15.4.
Variant type: single nucleotide variant.
Coding change: c.358G>A on transcript NM_177972.3 (MANE Select); coding-DNA position 358, G replaced by A.
Protein change: p.Gly120Ser; replaces glycine 120 with serine.
Molecular consequence: missense variant. On other transcripts: non-coding transcript variant (1).
Genome position (GRCh38, 1-based): chr11:8,094,150, G>A. VCF-style: chr11-8094150-G-A. GRCh37 (hg19) VCF-style: chr11-8115697-G-A.
Other names: c.523G>A, p.Gly175Ser (NM_003320.5); c.358G>A (NM_177972.2); short protein forms G120S, G175S.
Identifiers: ClinVar variation 839656 (VCV000839656.9), dbSNP rs146650842, ClinGen allele CA5871046.

ClinVar aggregate classification (germline): Conflicting classifications of pathogenicity. Review status: criteria provided, conflicting classifications (1 of 4 stars). 4 submissions from 4 submitters: Uncertain significance (2); Benign (1). 1 of the submissions does not count toward it. Last evaluated 2024-01-15.

Conditions:
Retinal dystrophy and obesity (RDOB). Identifiers: Orphanet 791, MedGen C4015424, MONDO:0014522, OMIM 616188.
TUB-related disorder. Also called: TUB-related condition.

Allele frequency attached by ClinVar (database versions not stated): gnomAD exomes 0.00004 and 0.00012; ExAC 0.00014; gnomAD 0.00042 and 0.00043; TOPMed 0.00045; 1000 Genomes Project 30x 0.00047; 1000 Genomes Project 0.00060; ESP Exome Variant Server 0.00062.
gnomAD v4.1: 126 of 1,614,026 alleles (0.0078%); highest among the groups gnomAD compares: African/African-American, 0.16%; no homozygotes.

Submissions (4):

Labcorp Genetics (formerly Invitae), Labcorp
Classification: Uncertain significance. Last evaluated: 2024-01-15. Review status: criteria provided, single submitter. Criteria: Invitae Variant Classification Sherloc (09022015). Collection method: clinical testing. Allele origin: germline.
Comment: This sequence change replaces glycine, which is neutral and non-polar, with serine, which is neutral and polar, at codon 175 of the TUB protein (p.Gly175Ser). This variant is present in population databases (rs146650842, gnomAD 0.2%). This variant has not been reported in the literature in individuals affected with TUB-related conditions. ClinVar contains an entry for this variant (Variation ID: 839656). Algorithms developed to predict the effect of missense changes on protein structure and function output the following: SIFT: "Not Available"; PolyPhen-2: "Benign"; Align-GVGD: "Not Available". The serine amino acid residue is found in multiple mammalian species, which suggests that this missense change does not adversely affect protein function. In summary, the available evidence is currently insufficient to determine the role of this variant in disease. Therefore, it has been classified as a Variant of Uncertain Significance.

Blueprint Genetics
Classification: Benign. Last evaluated: 2023-02-10. Review status: criteria provided, single submitter. Criteria: ACMG Guidelines, 2015. Collection method: clinical testing. Allele origin: germline.

New York Genome Center
Classification: Uncertain significance for Retinal dystrophy and obesity. Last evaluated: 2022-11-09. Review status: criteria provided, single submitter. Criteria: NYGC Assertion Criteria 2020. Collection method: clinical testing. Allele origin: germline. Observed: 1 heterozygote.

PreventionGenetics, part of Exact Sciences
Classification: Likely benign for TUB-related condition. Last evaluated: 2022-01-31. Review status: no assertion criteria provided. Collection method: clinical testing. Allele origin: germline. Not counted in ClinVar's aggregate classification.
Comment: This variant is classified as likely benign based on ACMG/AMP sequence variant interpretation guidelines (Richards et al. 2015 PMID: 25741868, with internal and published modifications).